The following is an entry in ClinVar:

NM_001903.5(CTNNA1):c.2562T>A (p.Leu854=)

Gene: CTNNA1 (catenin alpha 1; plus strand). Cytogenetic location: 5q31.2.
Variant type: single nucleotide variant.
Coding change: c.2562T>A on transcript NM_001903.5 (MANE Select); coding-DNA position 2562, T replaced by A.
Protein change: p.Leu854=; no amino-acid change (leucine 854 retained).
Molecular consequence: synonymous variant. On other transcripts: 3 prime UTR variant (5).
Genome position (GRCh38, 1-based): chr5:138,933,930, T>A. VCF-style: chr5-138933930-T-A. GRCh37 (hg19) VCF-style: chr5-138269619-T-A.
Other names: c.2562T>A, p.Leu854= (NM_001323983.1, NM_001323984.2, NM_001323982.2); c.2535T>A, p.Leu845= (NM_001323985.2); c.2469T>A, p.Leu823= (NM_001323986.2); c.1452T>A, p.Leu484= (NM_001323987.1, NM_001323988.1, NM_001323989.1 and 12 more transcripts); c.*107T>A (NM_001290307.3, NM_001324002.1, NM_001324003.1 and 2 more transcripts); c.2253T>A, p.Leu751= (NM_001290309.3); c.2193T>A, p.Leu731= (NM_001290310.3); c.1317T>A, p.Leu439= (NM_001324001.1); and 3 more.
Identifiers: ClinVar variation 1122450 (VCV001122450.12), dbSNP rs2150359295, ClinGen allele CA446793234.

ClinVar aggregate classification (germline): Benign/Likely benign. Review status: criteria provided, multiple submitters, no conflicts (2 of 4 stars). 3 submissions from 3 submitters: Benign (1); Likely benign (2). Last evaluated 2024-10-15.

Conditions:
Hereditary cancer-predisposing syndrome. Also called: Neoplastic Syndromes, Hereditary; Tumor predisposition; Hereditary Cancer Syndrome; Hereditary neoplastic syndrome. Identifiers: Orphanet 140162, MedGen C0027672, MeSH D009386, MONDO:0015356.
Hereditary diffuse gastric adenocarcinoma (HDGC). Also called: DIFFUSE GASTRIC AND LOBULAR BREAST CANCER SYNDROME. Identifiers: Orphanet 26106, MedGen C1708349, MONDO:0007648, OMIM 137215.

Submissions (3):

Myriad Genetics, Inc.
Classification: Benign for Hereditary diffuse gastric adenocarcinoma. Last evaluated: 2024-10-15. Review status: criteria provided, single submitter. Criteria: Myriad Autosomal Dominant, Autosomal Recessive and X-Linked Classification Criteria (2023). Collection method: clinical testing. Allele origin: unknown.
Comment: This variant is considered benign. This variant is a silent/synonymous amino acid change and it is not expected to impact splicing.

Labcorp Genetics (formerly Invitae), Labcorp
Classification: Likely benign. Last evaluated: 2024-02-14. Review status: criteria provided, single submitter. Criteria: Invitae Variant Classification Sherloc (09022015). Collection method: clinical testing. Allele origin: germline.

Ambry Genetics
Classification: Likely benign for Hereditary cancer-predisposing syndrome. Last evaluated: 2022-10-20. Review status: criteria provided, single submitter. Criteria: Ambry Variant Classification Scheme 2023. Collection method: clinical testing. Allele origin: germline.